The following is an entry in ClinVar:

NM_000104.4(CYP1B1):c.350G>T (p.Arg117Leu)

Gene: CYP1B1 (cytochrome P450 family 1 subfamily B member 1; minus strand). Cytogenetic location: 2p22.2.
Variant type: single nucleotide variant.
Coding change: c.350G>T on transcript NM_000104.4 (MANE Select); coding-DNA position 350, G replaced by T.
Protein change: p.Arg117Leu; replaces arginine 117 with leucine.
Molecular consequence: missense variant.
Genome position (GRCh38, 1-based): chr2:38,075,039, C>A on the plus strand (G>T on the coding strand, the complement: CYP1B1 is on the minus strand). VCF-style: chr2-38075039-C-A. GRCh37 (hg19) VCF-style: chr2-38302182-C-A.
Other names: short protein forms R117L.
Identifiers: ClinVar variation 2098650 (VCV002098650.4), dbSNP rs1450783755, ClinGen allele CA346329432.
Genomic context (GRCh38, chr2:38,075,039, plus strand): 5'-TAGTGGCCGAAAGCCATGCTGCGGCCGCCGGACACCACACGGAAGGAGGCGAAGGCCGGC[C>A]GGTCGGCGAAGGCCGAGCCCTGCTGCACCAGGGCCTGGTGGATGGCGCGCTCGCCATTCA-3'
Protein context (NP_000095.2, residues 107-127): LVQQGSAFAD[Arg117Leu]PAFASFRVVS

ClinVar aggregate classification (germline): Pathogenic (1 of 4 stars; one submission).

Conditions:
Congenital glaucoma. Identifiers: MedGen C0020302, MONDO:0020366.

Submission:

Labcorp Genetics (formerly Invitae), Labcorp
Classification: Pathogenic for Congenital glaucoma. Last evaluated: 2023-07-16. Review status: criteria provided, single submitter. Criteria: Invitae Variant Classification Sherloc (09022015). Collection method: clinical testing. Allele origin: germline.
Comment: For these reasons, this variant has been classified as Pathogenic. This variant disrupts the p.Arg117 amino acid residue in CYP1B1. Other variant(s) that disrupt this residue have been determined to be pathogenic (PMID: 17893647, 27243976). This suggests that this residue is clinically significant, and that variants that disrupt this residue are likely to be disease-causing. Advanced modeling of protein sequence and biophysical properties (such as structural, functional, and spatial information, amino acid conservation, physicochemical variation, residue mobility, and thermodynamic stability) has been performed at Invitae for this missense variant, however the output from this modeling did not meet the statistical confidence thresholds required to predict the impact of this variant on CYP1B1 protein function. ClinVar contains an entry for this variant (Variation ID: 2098650). This missense change has been observed in individual(s) with congenital glaucoma (Invitae). In at least one individual the data is consistent with being in trans (on the opposite chromosome) from a pathogenic variant. This variant is not present in population databases (gnomAD no frequency). This sequence change replaces arginine, which is basic and polar, with leucine, which is neutral and non-polar, at codon 117 of the CYP1B1 protein (p.Arg117Leu).

Literature cited by the submitters: PubMed 17893647; PubMed 27243976.